The following is an entry in ClinVar:

ClinVar aggregate classification (germline): Uncertain significance (1 of 4 stars; one submission).

gnomAD v4.1: 38 of 1,211,440 alleles (0.0031%); highest among the groups gnomAD compares: Non-Finnish European, 0.0042%; no homozygotes.

Submission:

Labcorp Genetics (formerly Invitae), Labcorp
Classification: Uncertain significance. Last evaluated: 2025-03-11. Review status: criteria provided, single submitter. Criteria: Invitae Variant Classification Sherloc (09022015). Collection method: clinical testing. Allele origin: germline.
Comment: This sequence change replaces serine, which is neutral and polar, with asparagine, which is neutral and polar, at codon 542 of the FRMD7 protein (p.Ser542Asn). This variant is present in population databases (no rsID available, gnomAD 0.001%). This variant has not been reported in the literature in individuals affected with FRMD7-related conditions. ClinVar contains an entry for this variant (Variation ID: 2805358). An algorithm developed to predict the effect of missense changes on protein structure and function outputs the following: PolyPhen-2: "Benign". The asparagine amino acid residue is found in multiple mammalian species, which suggests that this missense change does not adversely affect protein function. In summary, the available evidence is currently insufficient to determine the role of this variant in disease. Therefore, it has been classified as a Variant of Uncertain Significance.

NM_194277.3(FRMD7):c.1625G>A (p.Ser542Asn)

Gene: FRMD7 (FERM domain containing 7; minus strand). Cytogenetic location: Xq26.2.
Variant type: single nucleotide variant.
Coding change: c.1625G>A on transcript NM_194277.3 (MANE Select); coding-DNA position 1625, G replaced by A.
Protein change: p.Ser542Asn; replaces serine 542 with asparagine.
Molecular consequence: missense variant.
Genome position (GRCh38, 1-based): chrX:132,078,392, C>T on the plus strand (G>A on the coding strand, the complement: FRMD7 is on the minus strand). VCF-style: chrX-132078392-C-T. GRCh37 (hg19) VCF-style: chrX-131212420-C-T.
Other names: c.1580G>A, p.Ser527Asn (NM_001306193.2); short protein forms S527N, S542N.
Identifiers: ClinVar variation 2805358 (VCV002805358.3), dbSNP rs1325331983, ClinGen allele CA414678665.